The following is an entry in ClinVar:

ClinVar aggregate classification (germline): Pathogenic (1 of 4 stars; one submission).

Conditions:
Thrombophilia, X-linked, due to factor 9 defect. Identifiers: MedGen C2749016, MONDO:0010432, OMIM 300807.
Hereditary factor IX deficiency disease (HEMB). Also called: F9 DEFICIENCY; FACTOR IX DEFICIENCY; PLASMA THROMBOPLASTIN COMPONENT DEFICIENCY; Hemophilia B; Christmas Disease. Identifiers: Orphanet 98879, MedGen C0008533, MeSH D002836, MONDO:0010604, OMIM 306900.

Allele frequency attached by ClinVar (database versions not stated): TOPMed 0.00002.

Submission:

Labcorp Genetics (formerly Invitae), Labcorp
Classification: Pathogenic for Thrombophilia, X-linked, due to factor 9 defect; Hereditary factor IX deficiency disease. Last evaluated: 2023-04-15. Review status: criteria provided, single submitter. Criteria: Invitae Variant Classification Sherloc (09022015). Collection method: clinical testing. Allele origin: germline.
Comment: For these reasons, this variant has been classified as Pathogenic. This variant disrupts the p.Gly432 amino acid residue in F9. Other variant(s) that disrupt this residue have been determined to be pathogenic (PMID: 9600455, 15086324, 19699296). This suggests that this residue is clinically significant, and that variants that disrupt this residue are likely to be disease-causing. Advanced modeling of protein sequence and biophysical properties (such as structural, functional, and spatial information, amino acid conservation, physicochemical variation, residue mobility, and thermodynamic stability) performed at Invitae indicates that this missense variant is not expected to disrupt F9 protein function. This missense change has been observed in individuals with hemophilia B (PMID: 7937052, 22639855, 32875744, 34590426). This variant is not present in population databases (gnomAD no frequency). This sequence change replaces glycine, which is neutral and non-polar, with serine, which is neutral and polar, at codon 432 of the F9 protein (p.Gly432Ser).

Literature cited by the submitters: PubMed 9600455; PubMed 15086324; PubMed 19699296; PubMed 7937052; PubMed 22639855; PubMed 32875744; PubMed 34590426.

NM_000133.4(F9):c.1294G>A (p.Gly432Ser)

Gene: F9 (coagulation factor IX; plus strand). Cytogenetic location: Xq27.1.
Variant type: single nucleotide variant.
Coding change: c.1294G>A on transcript NM_000133.4 (MANE Select); coding-DNA position 1294, G replaced by A.
Protein change: p.Gly432Ser; replaces glycine 432 with serine.
Molecular consequence: missense variant.
Genome position (GRCh38, 1-based): chrX:139,561,979, G>A. VCF-style: chrX-139561979-G-A. GRCh37 (hg19) VCF-style: chrX-138644138-G-A.
Other names: c.1180G>A, p.Gly394Ser (NM_001313913.2); short protein forms G432S, G394S.
Identifiers: ClinVar variation 2925702 (VCV002925702.3), dbSNP rs1170838100, ClinGen allele CA414447151.
Genomic context (GRCh38, chrX:139,561,979, plus strand): 5'-GGGGGACCCCATGTTACTGAAGTGGAAGGGACCAGTTTCTTAACTGGAATTATTAGCTGG[G>A]GTGAAGAGTGTGCAATGAAAGGCAAATATGGAATATATACCAAGGTATCCCGGTATGTCA-3'
Protein context (NP_000124.1, residues 422-442): TSFLTGIISW[Gly432Ser]EECAMKGKYG